The following is an entry in ClinVar:

ClinVar aggregate classification (germline): Uncertain significance. Review status: criteria provided, multiple submitters, no conflicts (2 of 4 stars). 2 submissions from 2 submitters: Uncertain significance (2). Last evaluated 2023-05-22.

Conditions:
Cardiovascular phenotype. Identifiers: MedGen CN230736.

Allele frequency attached by ClinVar (database versions not stated): TOPMed below 0.00001; ExAC 0.00001.

Submissions (2):

GeneDx
Classification: Uncertain significance. Last evaluated: 2023-05-22. Review status: criteria provided, single submitter. Criteria: GeneDx Variant Classification Process June 2021. Collection method: clinical testing. Allele origin: germline. Affected: yes.
Comment: Not observed at significant frequency in large population cohorts (gnomAD); In silico analysis supports that this missense variant does not alter protein structure/function; Has not been previously published as pathogenic or benign to our knowledge

Ambry Genetics
Classification: Uncertain significance for Cardiovascular phenotype. Last evaluated: 2021-01-25. Review status: criteria provided, single submitter. Criteria: Ambry Variant Classification Scheme 2023. Collection method: clinical testing. Allele origin: germline.
Comment: The p.A408G variant (also known as c.1223C>G), located in coding exon 5 of the ALMS1 gene, results from a C to G substitution at nucleotide position 1223. The alanine at codon 408 is replaced by glycine, an amino acid with similar properties. This amino acid position is poorly conserved in available vertebrate species. In addition, this alteration is predicted to be tolerated by in silico analysis. Since supporting evidence is limited at this time, the clinical significance of this alteration remains unclear.

NM_001378454.1(ALMS1):c.1220C>G (p.Ala407Gly)

Gene: ALMS1 (ALMS1 centrosome and basal body associated protein; plus strand). Cytogenetic location: 2p13.1.
Variant type: single nucleotide variant.
Coding change: c.1220C>G on transcript NM_001378454.1 (MANE Select); coding-DNA position 1220, C replaced by G.
Protein change: p.Ala407Gly; replaces alanine 407 with glycine.
Molecular consequence: missense variant.
Genome position (GRCh38, 1-based): chr2:73,424,885, C>G. VCF-style: chr2-73424885-C-G. GRCh37 (hg19) VCF-style: chr2-73652013-C-G.
Other names: c.1223C>G, p.Ala408Gly (NM_015120.4); short protein forms A407G, A408G.
Identifiers: ClinVar variation 1753619 (VCV001753619.3), dbSNP rs768588695, ClinGen allele CA1713071.
Genomic context (GRCh38, chr2:73,424,885, plus strand): 5'-ATTTTGATGCTGCTCGTTCATATGGGCAGTATTGGACACAGGAAGATTCATCTAAGCAGG[C>G]AGAAACATATTTAACCAGTAAGTACCCTGATTCTTTTTCAGATTCATCTGACACAATTGA-3'
Protein context (NP_001365383.1, residues 397-417): YWTQEDSSKQ[Ala407Gly]ETYLTKGLQG